The following is an entry in ClinVar:

ClinVar aggregate classification (germline): Conflicting classifications of pathogenicity. Review status: criteria provided, conflicting classifications (1 of 4 stars). 4 submissions from 4 submitters: Uncertain significance (2); Benign (1); Likely benign (1). Last evaluated 2025-03-10.

Conditions:
Inborn genetic diseases. Identifiers: MedGen C0950123, MeSH D030342.

Allele frequency attached by ClinVar (database versions not stated): TOPMed 0.00001; gnomAD exomes 0.00013; 1000 Genomes Project 30x 0.00016; ESP Exome Variant Server 0.00017; 1000 Genomes Project 0.00020; ExAC 0.00027; gnomAD 0.00028.

Submissions (4):

Labcorp Genetics (formerly Invitae), Labcorp
Classification: Benign. Last evaluated: 2025-03-10. Review status: criteria provided, single submitter. Criteria: Invitae Variant Classification Sherloc (09022015). Collection method: clinical testing. Allele origin: germline.

Ambry Genetics
Classification: Uncertain significance for Inborn genetic diseases. Last evaluated: 2024-11-26. Review status: criteria provided, single submitter. Criteria: Ambry Variant Classification Scheme 2023. Collection method: clinical testing. Allele origin: germline.
Comment: The p.K742T variant (also known as c.2225A>C), located in coding exon 21 of the ANKRD26 gene, results from an A to C substitution at nucleotide position 2225. The lysine at codon 742 is replaced by threonine, an amino acid with similar properties. This amino acid position is conserved. In addition, this alteration is predicted to be tolerated by in silico analysis. Based on the available evidence, the clinical significance of this variant remains unclear.

Blueprint Genetics
Classification: Likely benign. Last evaluated: 2024-03-02. Review status: criteria provided, single submitter. Criteria: ACMG Guidelines, 2015. Collection method: clinical testing. Allele origin: germline.

GeneDx
Classification: Uncertain significance. Last evaluated: 2023-10-31. Review status: criteria provided, single submitter. Criteria: GeneDx Variant Classification Process June 2021. Collection method: clinical testing. Allele origin: germline. Affected: yes.
Comment: In silico analysis supports that this missense variant has a deleterious effect on protein structure/function; Has not been previously published as pathogenic or benign to our knowledge

NM_014915.3(ANKRD26):c.2225A>C (p.Lys742Thr)

Gene: ANKRD26 (ankyrin repeat domain 26; minus strand). Cytogenetic location: 10p12.1.
Variant type: single nucleotide variant.
Coding change: c.2225A>C on transcript NM_014915.3 (MANE Select); coding-DNA position 2225, A replaced by C.
Protein change: p.Lys742Thr; replaces lysine 742 with threonine.
Molecular consequence: missense variant.
Genome position (GRCh38, 1-based): chr10:27,040,115, T>G on the plus strand (A>C on the coding strand, the complement: ANKRD26 is on the minus strand). VCF-style: chr10-27040115-T-G. GRCh37 (hg19) VCF-style: chr10-27329044-T-G.
Other names: c.2222A>C, p.Lys741Thr (NM_001256053.2); short protein forms K742T, K741T.
Identifiers: ClinVar variation 2887674 (VCV002887674.6), dbSNP rs182100655, ClinGen allele CA5448267.
Genomic context (GRCh38, chr10:27,040,115, plus strand): 5'-ACATTAACCTTGTCTTCCATTTTTTTAATTTTTACTGTAAGTAGTTCACAGTGATTTTTT[T>G]TAAGTTCTAATAATCTTTCACATGAAAGAGCTGCATCCTGGATTTTCAATAGGCTAACAG-3'
Protein context (NP_055730.2, residues 732-752): ALSCERLLEL[Lys742Thr]KNHCELLTVK